The following is an entry in ClinVar:

ClinVar aggregate classification (germline): Pathogenic/Likely pathogenic. Review status: criteria provided, multiple submitters, no conflicts (2 of 4 stars). 3 submissions from 3 submitters: Pathogenic (1); Likely pathogenic (2). Last evaluated 2024-11-11.

Conditions:
Autosomal recessive nonsyndromic hearing loss 28. Identifiers: Orphanet 90636, MedGen C1853276, MONDO:0012355, OMIM 609823.

Allele frequency attached by ClinVar (database versions not stated): gnomAD 0.00001; gnomAD exomes 0.00001; ExAC 0.00002; TOPMed 0.00002; ESP Exome Variant Server 0.00008.
gnomAD v4.1: 18 of 1,611,462 alleles (0.0011%); highest among the groups gnomAD compares: Middle Eastern, 0.016%; no homozygotes.

Submissions (3):

3billion
Classification: Pathogenic for Autosomal recessive nonsyndromic hearing loss 28. Last evaluated: 2024-11-11. Review status: criteria provided, single submitter. Criteria: ACMG Guidelines, 2015. Collection method: clinical testing. Allele origin: germline. Affected: yes.
Comment: The variant is observed at an extremely low frequency in the gnomAD v4.1.0 dataset (total allele frequency: 0.001%). Predicted Consequence/Location: Stop-gained (nonsense): predicted to result in a loss or disruption of normal protein function through nonsense-mediated decay (NMD) or protein truncation. Multiple pathogenic variants are reported downstream of the variant. The variant has been reported to be associated with TRIOBP related disorder (ClinVar ID: VCV001325235 /PMID: 35982127). Therefore, this variant is classified as Pathogenic according to the recommendation of ACMG/AMP guideline.

Fulgent Genetics
Classification: Likely pathogenic for Autosomal recessive nonsyndromic hearing loss 28. Last evaluated: 2021-07-06. Review status: criteria provided, single submitter. Criteria: ACMG Guidelines, 2015. Collection method: clinical testing. Allele origin: unknown.

Juno Genomics, Hangzhou Juno Genomics, Inc
Classification: Likely pathogenic for Autosomal recessive nonsyndromic hearing loss 28. Review status: criteria provided, single submitter. Criteria: ACMG Guidelines, 2015. Collection method: clinical testing. Allele origin: germline.
Comment: Null variant in a gene where loss of function (LOF) is a known mechanism of disease.;Absent from controls (or at extremely low frequency if recessive) in Genome Aggregation Database.

Literature cited by the submitters: PubMed 35982127 (cited by 3billion).

NM_001039141.3(TRIOBP):c.2176C>T (p.Arg726Ter)

Gene: TRIOBP (TRIO and F-actin binding protein; plus strand). Cytogenetic location: 22q13.1.
Variant type: single nucleotide variant.
Coding change: c.2176C>T on transcript NM_001039141.3 (MANE Select); coding-DNA position 2176, C replaced by T.
Protein change: p.Arg726Ter; replaces arginine 726 with a stop codon.
Molecular consequence: nonsense.
Genome position (GRCh38, 1-based): chr22:37,724,732, C>T. VCF-style: chr22-37724732-C-T. GRCh37 (hg19) VCF-style: chr22-38120739-C-T.
Other names: c.2176C>T (NM_001039141.2); short protein forms R726*.
Identifiers: ClinVar variation 1325235 (VCV001325235.6), dbSNP rs375857763, ClinGen allele CA10223811.